The following is an entry in ClinVar:

NM_016578.4(RSF1):c.3672C>T (p.Asp1224=)

Gene: RSF1 (remodeling and spacing factor 1; minus strand). Cytogenetic location: 11q14.1.
Variant type: single nucleotide variant.
Coding change: c.3672C>T on transcript NM_016578.4 (MANE Select); coding-DNA position 3672, C replaced by T.
Protein change: p.Asp1224=; no amino-acid change (aspartic acid 1224 retained).
Molecular consequence: synonymous variant.
Genome position (GRCh38, 1-based): chr11:77,672,121, G>A on the plus strand (C>T on the coding strand, the complement: RSF1 is on the minus strand). VCF-style: chr11-77672121-G-A. GRCh37 (hg19) VCF-style: chr11-77383166-G-A.
Identifiers: ClinVar variation 2642193 (VCV002642193.24), dbSNP rs369187639, ClinGen allele CA6200785.

ClinVar aggregate classification (germline): Likely benign (1 of 4 stars; one submission).

Allele frequency attached by ClinVar (database versions not stated): ExAC 0.00003; ESP Exome Variant Server 0.00008; gnomAD exomes 0.00015.
gnomAD v4.1: 243 of 1,613,854 alleles (0.015%); highest among the groups gnomAD compares: Non-Finnish European, 0.018%; no homozygotes.

Submission:

CeGaT Center for Human Genetics Tuebingen
Classification: Likely benign. Last evaluated: 2023-04-01. Review status: criteria provided, single submitter. Criteria: CeGaT Center For Human Genetics Tuebingen Variant Classification Criteria Version 2. Collection method: clinical testing. Allele origin: germline. Affected: yes. Observed: 1 variant allele.
Comment: RSF1: BP4, BP7